The following is an entry in ClinVar:

ClinVar aggregate classification (germline): Conflicting classifications of pathogenicity. Review status: criteria provided, conflicting classifications (1 of 4 stars). 3 submissions from 3 submitters: Likely pathogenic (2); Uncertain significance (1). Last evaluated 2024-10-11.

Conditions:
Charcot-Marie-Tooth disease type 2. Also called: Charcot-Marie-Tooth type 2. Identifiers: Orphanet 64746, MedGen C0270914, MONDO:0018993.
Cardiovascular phenotype. Identifiers: MedGen CN230736.

Submissions (3):

Ambry Genetics
Classification: Likely pathogenic for Cardiovascular phenotype. Last evaluated: 2024-10-11. Review status: criteria provided, single submitter. Criteria: Ambry Variant Classification Scheme 2023. Collection method: clinical testing. Allele origin: germline.
Comment: The c.513+2T>G intronic variant results from a T to G substitution two nucleotides after coding exon 2 in the LMNA gene. This variant was not reported in population-based cohorts in the Genome Aggregation Database (gnomAD). This nucleotide position is highly conserved in available vertebrate species. In silico splice site analysis predicts that this alteration will weaken the native splice donor site and will result in the creation or strengthening of a novel splice donor site. Alterations that disrupt the canonical splice site are expected to cause aberrant splicing, resulting in an abnormal protein or a transcript that is subject to nonsense-mediated mRNA decay. As such, this alteration is classified as likely pathogenic.

Labcorp Genetics (formerly Invitae), Labcorp
Classification: Likely pathogenic for Charcot-Marie-Tooth disease type 2. Last evaluated: 2023-06-23. Review status: criteria provided, single submitter. Criteria: Invitae Variant Classification Sherloc (09022015). Collection method: clinical testing. Allele origin: germline.
Comment: This sequence change affects a donor splice site in intron 2 of the LMNA gene. It is expected to disrupt RNA splicing. Variants that disrupt the donor or acceptor splice site typically lead to a loss of protein function (PMID: 16199547), and loss-of-function variants in LMNA are known to be pathogenic (PMID: 18585512, 18926329). This variant is not present in population databases (gnomAD no frequency). Disruption of this splice site has been observed in individual(s) with clinical features of LMNA-related conditions (PMID: 23360689). ClinVar contains an entry for this variant (Variation ID: 518520). Algorithms developed to predict the effect of sequence changes on RNA splicing suggest that this variant may disrupt the consensus splice site. In summary, the currently available evidence indicates that the variant is pathogenic, but additional data are needed to prove that conclusively. Therefore, this variant has been classified as Likely Pathogenic.

Stanford Center for Inherited Cardiovascular Disease, Stanford University
Classification: Uncertain significance. Last evaluated: 2017-09-18. Review status: criteria provided, single submitter. Criteria: ACMG Guidelines, 2015. Collection method: provider interpretation. Allele origin: germline.

Literature cited by the submitters: PubMed 16199547 (cited by Labcorp Genetics (formerly Invitae), Labcorp); PubMed 18585512 (cited by Labcorp Genetics (formerly Invitae), Labcorp); PubMed 18926329 (cited by Labcorp Genetics (formerly Invitae), Labcorp); PubMed 23360689 (cited by Labcorp Genetics (formerly Invitae), Labcorp).

NM_170707.4(LMNA):c.513+2T>G

Genes: LMNA (lamin A/C; plus strand), LOC126805877 (MED14-independent group 3 enhancer GRCh37_chr1:156099693-156100892; plus strand). Cytogenetic location: 1q22.
Variant type: single nucleotide variant.
Coding change: c.513+2T>G on transcript NM_170707.4 (MANE Select); the canonical splice donor site of the intron after coding-DNA position 513, T replaced by G.
Molecular consequence: splice donor variant. On other transcripts: intron variant (4).
Genome position (GRCh38, 1-based): chr1:156,130,775, T>G. VCF-style: chr1-156130775-T-G. GRCh37 (hg19) VCF-style: chr1-156100566-T-G.
Other names: c.513+2T>G (NM_001406983.1, NM_001282625.2, NM_001406984.1 and 6 more transcripts); c.-45-3628T>G (NM_001407002.1, NM_001406995.1, NM_001406990.1); c.-46+2T>G (NM_001406993.1, NM_001407003.1, NM_001406996.1 and 1 more transcripts); c.-152+2T>G (NM_001406999.1, NM_001407000.1, NM_001406994.1); c.270+2T>G (NM_001406986.1, NM_001406987.1, NM_001282624.2); c.-151-3628T>G (NM_001407001.1); c.177+2T>G (NM_001406989.1, NM_001257374.3, NM_001406998.1); c.216+2T>G (NM_001406988.1).
Identifiers: ClinVar variation 518520 (VCV000518520.11), dbSNP rs1553264668, ClinGen allele CA342815749.
Genomic context (GRCh38, chr1:156,130,775, plus strand): 5'-TCAGTGAGAAGCGCACGCTGGAGGGCGAGCTGCATGATCTGCGGGGCCAGGTGGCCAAGG[T>G]GAGGCCACCCTGCAGGGCCCACCCATGGCCCCACCTAACACATGTACACTCACTCTTCTA-3'